The following is an entry in ClinVar:

NM_000051.4(ATM):c.1236-2del

Gene: ATM (ATM serine/threonine kinase; plus strand). Cytogenetic location: 11q22.3.
Variant type: Deletion.
Coding change: c.1236-2del on transcript NM_000051.4 (MANE Select); the canonical splice acceptor site of the intron before coding-DNA position 1236, one base deleted (A; older notation c.1236-2delA).
Molecular consequence: splice acceptor variant.
Genome position (GRCh38, 1-based): chr11:108,250,699, A deleted. VCF-style (leftmost placement, unchanged base first): chr11-108250698-TA-T. GRCh37 (hg19) VCF-style: chr11-108121425-TA-T.
Other names: c.1236-2delA (NM_000051.3); c.1236-2del (NM_001351834.2).
Identifiers: ClinVar variation 574589 (VCV000574589.15), dbSNP rs1565381646, ClinGen allele CA891842906.

ClinVar aggregate classification (germline): Pathogenic/Likely pathogenic. Review status: criteria provided, multiple submitters, no conflicts (2 of 4 stars). 4 submissions from 4 submitters: Pathogenic (1); Likely pathogenic (3). Last evaluated 2025-12-22.

Conditions:
Hereditary cancer-predisposing syndrome. Also called: Hereditary neoplastic syndrome; Neoplastic Syndromes, Hereditary; Hereditary Cancer Syndrome; Tumor predisposition. Identifiers: Orphanet 140162, MedGen C0027672, MeSH D009386, MONDO:0015356.
Familial cancer of breast. Also called: BREAST CANCER, FAMILIAL; hereditary breast carcinoma; Hereditary breast cancer. Identifiers: Orphanet 227535, MedGen C0346153, MONDO:0016419, OMIM 114480. Disease mechanism: loss of function.
Ataxia-telangiectasia syndrome (AT). Also called: AT, COMPLEMENTATION GROUP C; Cerebello-oculocutaneous telangiectasia; Immunodeficiency with ataxia telangiectasia; Ataxia-telangiectasia, complementation group D; ATAXIA-TELANGIECTASIA, FRESNO VARIANT; Ataxia-telangiectasia, complementation group E. Identifiers: Orphanet 100, MedGen C0004135, MONDO:0008840, OMIM 208900.

Allele frequency attached by ClinVar (database versions not stated): gnomAD exomes below 0.00001.

Submissions (4):

Labcorp Genetics (formerly Invitae), Labcorp
Classification: Likely pathogenic for Ataxia-telangiectasia syndrome. Last evaluated: 2025-12-22. Review status: criteria provided, single submitter. Criteria: Invitae Variant Classification Sherloc (09022015). Collection method: clinical testing. Allele origin: germline.
Comment: This sequence change affects a splice site in intron 9 of the ATM gene. RNA analysis indicates that disruption of this splice site induces altered splicing and may result in an absent or altered protein product. This variant is not present in population databases (gnomAD no frequency). This variant has not been reported in the literature in individuals affected with ATM-related conditions. ClinVar contains an entry for this variant (Variation ID: 574589). Studies have shown that disruption of this splice site results in activation of a cryptic splice site, and produces a non-functional protein and/or introduces a premature termination codon (internal data). In summary, the currently available evidence indicates that the variant is pathogenic, but additional data are needed to prove that conclusively. Therefore, this variant has been classified as Likely Pathogenic.

Ambry Genetics
Classification: Pathogenic for Hereditary cancer-predisposing syndrome. Last evaluated: 2025-12-01. Review status: criteria provided, single submitter. Criteria: Ambry Variant Classification Scheme 2023. Collection method: clinical testing. Allele origin: germline.
Comment: The c.1236-2delA intronic pathogenic mutation is located 2 nucleotides before coding exon 9 of the ATM gene. This variant results from a deletion of one nucleotide at position c.1236-2. This variant is considered to be rare based on population cohorts in the Genome Aggregation Database (gnomAD). This nucleotide position is highly conserved in available vertebrate species. In silico splice site analysis predicts that this alteration will weaken the native splice acceptor site and will result in the creation or strengthening of a novel splice acceptor site. RNA studies have demonstrated that this alteration results in abnormal splicing in the set of samples tested (Ambry internal data). Other variant(s) impacting the same acceptor site (c.1236-2A>G ) have been shown to have a similar impact on splicing in individual(s) with features consistent with ataxia telangiectasia (Coutinho G et al. Am J Med Genet A, 2004 Apr;126A:33-40, Ambry internal data). Alterations that disrupt the canonical splice site are expected to cause aberrant splicing, resulting in an abnormal protein or a transcript that is subject to nonsense-mediated mRNA decay. Based on the supporting evidence, this variant is interpreted as a disease-causing mutation.

Baylor Genetics
Classification: Likely pathogenic for Familial cancer of breast. Last evaluated: 2024-03-15. Review status: criteria provided, single submitter. Criteria: ACMG Guidelines, 2015. Collection method: clinical testing. Allele origin: unknown.

Myriad Genetics, Inc.
Classification: Likely pathogenic for Familial cancer of breast. Last evaluated: 2024-01-12. Review status: criteria provided, single submitter. Criteria: Myriad Autosomal Dominant, Autosomal Recessive and X-Linked Classification Criteria (2023). Collection method: clinical testing. Allele origin: unknown.
Comment: This variant is considered likely pathogenic. This variant occurs within a consensus splice junction and is predicted to result in abnormal mRNA splicing of either an out-of-frame exon or an in-frame exon necessary for protein stability and/or normal function.

Literature cited by the submitters: PubMed 14695534 (cited by Ambry Genetics).